The following is an entry in ClinVar:

ClinVar aggregate classification (germline): Uncertain significance. Review status: criteria provided, multiple submitters, no conflicts (2 of 4 stars). 2 submissions from 2 submitters: Uncertain significance (2). Last evaluated 2022-08-21.

Conditions:
Imerslund-Grasbeck syndrome type 1 (IGS1). Also called: MEGALOBLASTIC ANEMIA, 1; Imerslund-Gräsbeck syndrome 1; Megaloblastic anemia 1, Finnish type. Identifiers: MedGen C4016819, MONDO:0100156, OMIM 261100.
Proteinuria, chronic benign. Identifiers: MedGen C5394384, MONDO:0030042, OMIM 618884.
Imerslund-Grasbeck syndrome. Also called: PERNICIOUS ANEMIA, JUVENILE, DUE TO SELECTIVE INTESTINAL MALABSORPTION OF VITAMIN B12, WITH PROTEINURIA; Imerslund-Gräsbeck syndrome; Megaloblastic anemia due to inborn errors of metabolism; ENTEROCYTE COBALAMIN MALABSORPTION; ENTEROCYTE INTRINSIC FACTOR RECEPTOR, DEFECT OF. Identifiers: Orphanet 35858, MedGen C4551825, MONDO:0009853.

Allele frequency attached by ClinVar (database versions not stated): gnomAD exomes 0.00003; TOPMed 0.00002; gnomAD 0.00001; ExAC 0.00005.
gnomAD v4.1: 25 of 1,610,752 alleles (0.0016%); highest among the groups gnomAD compares: East Asian, 0.0045%; no homozygotes.

Submissions (3):

Labcorp Genetics (formerly Invitae), Labcorp
Classification: Uncertain significance for Imerslund-Grasbeck syndrome. Last evaluated: 2022-08-21. Review status: criteria provided, single submitter. Criteria: Invitae Variant Classification Sherloc (09022015). Collection method: clinical testing. Allele origin: germline.
Comment: This sequence change replaces arginine, which is basic and polar, with glutamine, which is neutral and polar, at codon 769 of the CUBN protein (p.Arg769Gln). This variant is present in population databases (rs770625165, gnomAD 0.006%). This variant has not been reported in the literature in individuals affected with CUBN-related conditions. ClinVar contains an entry for this variant (Variation ID: 567288). Algorithms developed to predict the effect of missense changes on protein structure and function output the following: SIFT: "Tolerated"; PolyPhen-2: "Benign"; Align-GVGD: "Class C0". The glutamine amino acid residue is found in multiple mammalian species, which suggests that this missense change does not adversely affect protein function. In summary, the available evidence is currently insufficient to determine the role of this variant in disease. Therefore, it has been classified as a Variant of Uncertain Significance.

Fulgent Genetics
Classification: Uncertain significance for Imerslund-Grasbeck syndrome type 1; Proteinuria, chronic benign. Last evaluated: 2022-02-24. Review status: criteria provided, single submitter. Criteria: ACMG Guidelines, 2015. Collection method: clinical testing. Allele origin: unknown.

Dr. Peter K. Rogan Lab, Western University
No classification provided (evidence only). Condition: Familial cancer of breast. Review status: no classification provided. Collection method: in vitro. Allele origin: not applicable. Functional consequence: retained intron. Not counted in ClinVar's aggregate classification.

NM_001081.4(CUBN):c.2306G>A (p.Arg769Gln)

Gene: CUBN (cubilin; minus strand). Cytogenetic location: 10p13.
Variant type: single nucleotide variant.
Coding change: c.2306G>A on transcript NM_001081.4 (MANE Select); coding-DNA position 2306, G replaced by A.
Protein change: p.Arg769Gln; replaces arginine 769 with glutamine.
Molecular consequence: missense variant.
Genome position (GRCh38, 1-based): chr10:17,071,967, C>T on the plus strand (G>A on the coding strand, the complement: CUBN is on the minus strand). VCF-style: chr10-17071967-C-T. GRCh37 (hg19) VCF-style: chr10-17113966-C-T.
Other names: short protein forms R769Q.
Identifiers: ClinVar variation 567288 (VCV000567288.8), dbSNP rs770625165, ClinGen allele CA5425010.